The following is an entry in ClinVar:

ClinVar aggregate classification (germline): Uncertain significance. Review status: criteria provided, multiple submitters, no conflicts (2 of 4 stars). 5 submissions from 5 submitters: Uncertain significance (5). Last evaluated 2025-07-25.

Conditions:
Cardiovascular phenotype. Identifiers: MedGen CN230736.
Arrhythmogenic right ventricular dysplasia 2. Identifiers: MedGen C1832931.
Ventricular arrhythmias due to cardiac ryanodine receptor calcium release deficiency syndrome. Also called: Autosomal dominant cardiac arrhythmia (Kuhn). Identifiers: MedGen C5542154, MONDO:0020745, OMIM 115000.
Catecholaminergic polymorphic ventricular tachycardia 1. Also called: VENTRICULAR TACHYCARDIA, CATECHOLAMINERGIC POLYMORPHIC, 1, WITH OR WITHOUT ATRIAL DYSFUNCTION AND/OR DILATED CARDIOMYOPATHY; RYR2-Related Catecholaminergic Polymorphic Ventricular Tachycardia; VENTRICULAR TACHYCARDIA, STRESS-INDUCED POLYMORPHIC 1. Identifiers: Orphanet 3286, MedGen C1631597, MONDO:0011484, OMIM 604772.
Catecholaminergic polymorphic ventricular tachycardia (CVPT). Also called: Catecholamine-induced polymorphic ventricular tachycardia. Identifiers: Orphanet 3286, MedGen C5574922, MONDO:0017990.
Cardiomyopathy (CMYO). Also called: Cardiomyopathies. Identifiers: Orphanet 167848, MedGen C0878544, MONDO:0004994, HP:0001638. Inheritance: Various modes of inheritance.

Allele frequency attached by ClinVar (database versions not stated): gnomAD 0.00001.
gnomAD v4.1: 3 of 1,613,556 alleles (0.00019%); highest among the groups gnomAD compares: Non-Finnish European, 0.00025%; no homozygotes.

Submissions (5):

Color Diagnostics, LLC DBA Color Health
Classification: Uncertain significance for Cardiomyopathy. Last evaluated: 2025-07-25. Review status: criteria provided, single submitter. Criteria: ACMG Guidelines, 2015. Collection method: clinical testing. Allele origin: germline.
Comment: This missense variant replaces threonine with isoleucine at codon 3229 of the RYR2 protein. Computational prediction is inconclusive regarding the impact of this variant on protein structure and function. To our knowledge, functional studies have not been reported for this variant. This variant has not been reported in individuals affected with RYR2-related disorders in the literature. This variant has not been identified in the general population by the Genome Aggregation Database (gnomAD). The available evidence is insufficient to determine the role of this variant in disease conclusively. Therefore, this variant is classified as a Variant of Uncertain Significance.

Ambry Genetics
Classification: Uncertain significance for Cardiovascular phenotype. Last evaluated: 2025-04-07. Review status: criteria provided, single submitter. Criteria: Ambry Variant Classification Scheme 2023. Collection method: clinical testing. Allele origin: germline.
Comment: The p.T3229I variant (also known as c.9686C>T), located in coding exon 68 of the RYR2 gene, results from a C to T substitution at nucleotide position 9686. The threonine at codon 3229 is replaced by isoleucine, an amino acid with similar properties. This amino acid position is well conserved in available vertebrate species. In addition, the in silico prediction for this alteration is inconclusive. Since supporting evidence is limited at this time, the clinical significance of this alteration remains unclear.

Labcorp Genetics (formerly Invitae), Labcorp
Classification: Uncertain significance for Catecholaminergic polymorphic ventricular tachycardia 1. Last evaluated: 2025-03-19. Review status: criteria provided, single submitter. Criteria: Invitae Variant Classification Sherloc (09022015). Collection method: clinical testing. Allele origin: germline.
Comment: This sequence change replaces threonine, which is neutral and polar, with isoleucine, which is neutral and non-polar, at codon 3229 of the RYR2 protein (p.Thr3229Ile). This variant is not present in population databases (gnomAD no frequency). This variant has not been reported in the literature in individuals affected with RYR2-related conditions. ClinVar contains an entry for this variant (Variation ID: 1064019). Invitae Evidence Modeling of protein sequence and biophysical properties (such as structural, functional, and spatial information, amino acid conservation, physicochemical variation, residue mobility, and thermodynamic stability) indicates that this missense variant is not expected to disrupt RYR2 protein function with a negative predictive value of 95%. In summary, the available evidence is currently insufficient to determine the role of this variant in disease. Therefore, it has been classified as a Variant of Uncertain Significance.

All of Us Research Program, National Institutes of Health
Classification: Uncertain significance for Catecholaminergic polymorphic ventricular tachycardia. Last evaluated: 2024-01-11. Review status: criteria provided, single submitter. Criteria: ACMG Guidelines, 2015. Collection method: clinical testing. Allele origin: germline. Inheritance: Autosomal dominant inheritance. Observed: 1 variant allele, 1 heterozygote.
Comment: This study involves interpretation of variants in research participants for the purpose of population health screening. Participant phenotype was not available at the time of variant classification. Additional details can be found in publication PMID: 35346344, PMCID: PMC8962531

Fulgent Genetics
Classification: Uncertain significance for Ventricular arrhythmias due to cardiac ryanodine receptor calcium release deficiency syndrome; Catecholaminergic polymorphic ventricular tachycardia 1. Last evaluated: 2021-08-10. Review status: criteria provided, single submitter. Criteria: ACMG Guidelines, 2015. Collection method: clinical testing. Allele origin: unknown.

NM_001035.3(RYR2):c.9686C>T (p.Thr3229Ile)

Gene: RYR2 (ryanodine receptor 2; plus strand). Cytogenetic location: 1q43.
Variant type: single nucleotide variant.
Coding change: c.9686C>T on transcript NM_001035.3 (MANE Select); coding-DNA position 9686, C replaced by T.
Protein change: p.Thr3229Ile; replaces threonine 3229 with isoleucine.
Molecular consequence: missense variant.
Genome position (GRCh38, 1-based): chr1:237,707,054, C>T. VCF-style: chr1-237707054-C-T. GRCh37 (hg19) VCF-style: chr1-237870354-C-T.
Other names: short protein forms T3229I.
Identifiers: ClinVar variation 1064019 (VCV001064019.15), dbSNP rs1688441480, ClinGen allele CA345408565.